The following is an entry in ClinVar:

NM_001127222.2(CACNA1A):c.6703C>T (p.His2235Tyr)

Gene: CACNA1A (calcium voltage-gated channel subunit alpha1 A; minus strand). Cytogenetic location: 19p13.13.
Variant type: single nucleotide variant.
Coding change: c.6703C>T on transcript NM_001127222.2 (MANE Select); coding-DNA position 6703, C replaced by T.
Protein change: p.His2235Tyr; replaces histidine 2235 with tyrosine.
Molecular consequence: missense variant.
Genome position (GRCh38, 1-based): chr19:13,208,833, G>A on the plus strand (C>T on the coding strand, the complement: CACNA1A is on the minus strand). VCF-style: chr19-13208833-G-A. GRCh37 (hg19) VCF-style: chr19-13319647-G-A.
Other names: c.6721C>T, p.His2241Tyr (NM_000068.4, NM_023035.3); c.6706C>T, p.His2236Tyr (NM_001127221.2); c.6712C>T, p.His2238Tyr (NM_001174080.2); short protein forms H2235Y, H2236Y, H2241Y, H2238Y.
Identifiers: ClinVar variation 1462598 (VCV001462598.8), dbSNP rs903913051, ClinGen allele CA404329625.

ClinVar aggregate classification (germline): Uncertain significance (1 of 4 stars; one submission).

Conditions:
Developmental and epileptic encephalopathy, 42 (DEE42A). Also called: DEVELOPMENTAL AND EPILEPTIC ENCEPHALOPATHY 42A; EPILEPTIC ENCEPHALOPATHY, EARLY INFANTILE, 42A; Epileptic encephalopathy, early infantile, 42. Identifiers: MedGen C4310716, MONDO:0014917, OMIM 617106.
Episodic ataxia type 2 (EA2). Also called: ATAXIA, EPISODIC, WITH NYSTAGMUS; ATAXIA, FAMILIAL PAROXYSMAL; CEREBELLAR ATAXIA, PAROXYSMAL, ACETAZOLAMIDE-RESPONSIVE; CEREBELLOPATHY, HEREDITARY PAROXYSMAL; EPISODIC ATAXIA, NYSTAGMUS-ASSOCIATED; ACETAZOLAMIDE-RESPONSIVE HEREDITARY PAROXYSMAL CEREBELLAR ATAXIA. Identifiers: Orphanet 97, MedGen C1720416, MONDO:0007163, OMIM 108500.

Submission:

Labcorp Genetics (formerly Invitae), Labcorp
Classification: Uncertain significance for Developmental and epileptic encephalopathy, 42; Episodic ataxia type 2. Last evaluated: 2020-12-21. Review status: criteria provided, single submitter. Criteria: Invitae Variant Classification Sherloc (09022015). Collection method: clinical testing. Allele origin: germline.
Comment: In summary, the available evidence is currently insufficient to determine the role of this variant in disease. Therefore, it has been classified as a Variant of Uncertain Significance. Advanced modeling of protein sequence and biophysical properties (such as structural, functional, and spatial information, amino acid conservation, physicochemical variation, residue mobility, and thermodynamic stability) performed at Invitae indicates that this missense variant is not expected to disrupt CACNA1A protein function. This variant has not been reported in the literature in individuals with CACNA1A-related conditions. The frequency data for this variant in the population databases is considered unreliable, as metrics indicate insufficient coverage at this position in the ExAC database. This sequence change replaces histidine with tyrosine at codon 2236 of the CACNA1A protein (p.His2236Tyr). The histidine residue is weakly conserved and there is a moderate physicochemical difference between histidine and tyrosine.